The following is an entry in ClinVar:

NM_001039591.3(USP9X):c.2812G>A (p.Gly938Ser)

Gene: USP9X (ubiquitin specific peptidase 9 X-linked; plus strand). Cytogenetic location: Xp11.4.
Variant type: single nucleotide variant.
Coding change: c.2812G>A on transcript NM_001039591.3 (MANE Select); coding-DNA position 2812, G replaced by A.
Protein change: p.Gly938Ser; replaces glycine 938 with serine.
Molecular consequence: missense variant.
Genome position (GRCh38, 1-based): chrX:41,170,170, G>A. VCF-style: chrX-41170170-G-A. GRCh37 (hg19) VCF-style: chrX-41029423-G-A.
Other names: c.2812G>A, p.Gly938Ser (NM_001039590.3); c.2827G>A, p.Gly943Ser (NM_001410748.1, NM_001410749.1); short protein forms G938S, G943S.
Identifiers: ClinVar variation 2125193 (VCV002125193.4), dbSNP rs2519225328, ClinGen allele CA412758430.

ClinVar aggregate classification (germline): Uncertain significance (1 of 4 stars; one submission).

Allele frequency attached by ClinVar (database versions not stated): gnomAD exomes below 0.00001.
gnomAD v4.1: 1 of 1,211,121 alleles (0.000083%); highest among the groups gnomAD compares: Non-Finnish European, 0.00011%; no homozygotes.

Submission:

Labcorp Genetics (formerly Invitae), Labcorp
Classification: Uncertain significance. Last evaluated: 2022-09-02. Review status: criteria provided, single submitter. Criteria: Invitae Variant Classification Sherloc (09022015). Collection method: clinical testing. Allele origin: germline.
Comment: In summary, the available evidence is currently insufficient to determine the role of this variant in disease. Therefore, it has been classified as a Variant of Uncertain Significance. Algorithms developed to predict the effect of missense changes on protein structure and function are either unavailable or do not agree on the potential impact of this missense change (SIFT: "Tolerated"; PolyPhen-2: "Probably Damaging"; Align-GVGD: "Class C0"). This variant has not been reported in the literature in individuals affected with USP9X-related conditions. This variant is not present in population databases (gnomAD no frequency). This sequence change replaces glycine, which is neutral and non-polar, with serine, which is neutral and polar, at codon 938 of the USP9X protein (p.Gly938Ser).